The following is an entry in ClinVar:

ClinVar aggregate classification (germline): Uncertain significance (1 of 4 stars; one submission).

Submission:

Ambry Genetics
Classification: Uncertain significance. Last evaluated: 2025-09-12. Review status: criteria provided, single submitter. Criteria: Ambry Variant Classification Scheme 2023. Collection method: clinical testing. Allele origin: germline.
Comment: The p.G415S variant (also known as c.1243G>A), located in coding exon 8 of the RNF43 gene, results from a G to A substitution at nucleotide position 1243. The glycine at codon 415 is replaced by serine, an amino acid with similar properties. This amino acid position is conserved. In addition, this alteration is predicted to be tolerated by in silico analysis. Based on the available evidence, the clinical significance of this variant remains unclear.

NM_017763.6(RNF43):c.1243G>A (p.Gly415Ser)

Gene: RNF43 (ring finger protein 43; minus strand). Cytogenetic location: 17q22.
Variant type: single nucleotide variant.
Coding change: c.1243G>A on transcript NM_017763.6 (MANE Select); coding-DNA position 1243, G replaced by A.
Protein change: p.Gly415Ser; replaces glycine 415 with serine.
Molecular consequence: missense variant.
Genome position (GRCh38, 1-based): chr17:58,358,533, C>T on the plus strand (G>A on the coding strand, the complement: RNF43 is on the minus strand). VCF-style: chr17-58358533-C-T. GRCh37 (hg19) VCF-style: chr17-56435894-C-T.
Other names: c.1243G>A, p.Gly415Ser (NM_001305544.3, NM_001438820.1, NM_001438821.1 and 1 more transcripts); c.862G>A, p.Gly288Ser (NM_001305545.2, NM_001437987.1); short protein forms G288S, G415S.
Identifiers: ClinVar variation 4155816 (VCV004155816.1).
Genomic context (GRCh38, chr17:58,358,533, plus strand): 5'-GGGGCACTGGGCAAGCAGCAGGGTGCTGTGAGGTGGATTGGAGGTGGCTCAGTCCCCAGC[C>T]TTGTGCATAGGGGTGCTGGGCTCCTGCCAGGCGCTGCTGCTCTCCTGGAGCCCGGGGATG-3'
Protein context (NP_060233.3, residues 405-425): LAGAQHPYAQ[Gly415Ser]WGLSHLQSTS